The following is an entry in ClinVar:

NM_020461.4(TUBGCP6):c.1789G>A (p.Val597Ile)

Gene: TUBGCP6 (tubulin gamma complex component 6; minus strand). Cytogenetic location: 22q13.33.
Variant type: single nucleotide variant.
Coding change: c.1789G>A on transcript NM_020461.4 (MANE Select); coding-DNA position 1789, G replaced by A.
Protein change: p.Val597Ile; replaces valine 597 with isoleucine.
Molecular consequence: missense variant.
Genome position (GRCh38, 1-based): chr22:50,226,094, C>T on the plus strand (G>A on the coding strand, the complement: TUBGCP6 is on the minus strand). VCF-style: chr22-50226094-C-T. GRCh37 (hg19) VCF-style: chr22-50664523-C-T.
Other names: short protein forms V597I.
Identifiers: ClinVar variation 999374 (VCV000999374.10), dbSNP rs201914434, ClinGen allele CA10308515.

ClinVar aggregate classification (germline): Uncertain significance. Review status: criteria provided, multiple submitters, no conflicts (2 of 4 stars). 4 submissions from 4 submitters: Uncertain significance (3). 1 of the submissions does not count toward it. Last evaluated 2025-01-10.

Conditions:
Retinal dystrophy. Also called: Inherited retinal dystrophy. Identifiers: Orphanet 71862, MedGen C0854723, MeSH D058499, MONDO:0019118, HP:0000556.
Inborn genetic diseases. Identifiers: MedGen C0950123, MeSH D030342.

Allele frequency attached by ClinVar (database versions not stated): ExAC 0.00004; gnomAD exomes 0.00005 and 0.00006; gnomAD 0.00006 and 0.00007; ESP Exome Variant Server 0.00008; TOPMed 0.00009; 1000 Genomes Project 30x 0.00016; 1000 Genomes Project 0.00020.
gnomAD v4.1: 87 of 1,614,160 alleles (0.0054%); highest among the groups gnomAD compares: Non-Finnish European, 0.0074%; no homozygotes.

Submissions (4):

Ambry Genetics
Classification: Uncertain significance for Inborn genetic diseases. Last evaluated: 2025-01-10. Review status: criteria provided, single submitter. Criteria: Ambry Variant Classification Scheme 2023. Collection method: clinical testing. Allele origin: germline.

Labcorp Genetics (formerly Invitae), Labcorp
Classification: Uncertain significance. Last evaluated: 2024-01-29. Review status: criteria provided, single submitter. Criteria: Invitae Variant Classification Sherloc (09022015). Collection method: clinical testing. Allele origin: germline.
Comment: This sequence change replaces valine, which is neutral and non-polar, with isoleucine, which is neutral and non-polar, at codon 597 of the TUBGCP6 protein (p.Val597Ile). This variant is present in population databases (rs201914434, gnomAD 0.01%). This variant has not been reported in the literature in individuals affected with TUBGCP6-related conditions. ClinVar contains an entry for this variant (Variation ID: 999374). Algorithms developed to predict the effect of missense changes on protein structure and function output the following: SIFT: "Not Available"; PolyPhen-2: "Benign"; Align-GVGD: "Not Available". The isoleucine amino acid residue is found in multiple mammalian species, which suggests that this missense change does not adversely affect protein function. In summary, the available evidence is currently insufficient to determine the role of this variant in disease. Therefore, it has been classified as a Variant of Uncertain Significance.

GeneDx
Classification: Uncertain significance. Last evaluated: 2022-02-11. Review status: criteria provided, single submitter. Criteria: GeneDx Variant Classification Process June 2021. Collection method: clinical testing. Allele origin: germline. Affected: yes.
Comment: Not observed at significant frequency in large population cohorts (gnomAD); In silico analysis supports that this missense variant does not alter protein structure/function; Has not been previously published as pathogenic or benign to our knowledge

Institute of Human Genetics, Univ. Regensburg, Univ. Regensburg
Classification: Uncertain significance for Retinal dystrophy. Last evaluated: 2022-01-01. Review status: no assertion criteria provided. Criteria: ACMG Guidelines, 2015. Collection method: clinical testing. Allele origin: germline. Affected: yes. Not counted in ClinVar's aggregate classification.